The following is an entry in ClinVar:

NM_000414.4(HSD17B4):c.847A>T (p.Ser283Cys)

Gene: HSD17B4 (hydroxysteroid 17-beta dehydrogenase 4; plus strand). Cytogenetic location: 5q23.1.
Variant type: single nucleotide variant.
Coding change: c.847A>T on transcript NM_000414.4 (MANE Select); coding-DNA position 847, A replaced by T.
Protein change: p.Ser283Cys; replaces serine 283 with cysteine.
Molecular consequence: missense variant. On other transcripts: non-coding transcript variant (2).
Genome position (GRCh38, 1-based): chr5:119,493,925, A>T. VCF-style: chr5-119493925-A-T. GRCh37 (hg19) VCF-style: chr5-118829620-A-T.
Other names: c.922A>T, p.Ser308Cys (NM_001199291.3); c.793A>T, p.Ser265Cys (NM_001199292.2); c.775A>T, p.Ser259Cys (NM_001292027.2); c.427A>T, p.Ser143Cys (NM_001292028.2); c.838A>T, p.Ser280Cys (NM_001374497.1); c.847A>T, p.Ser283Cys (NM_001374498.1); c.520A>T, p.Ser174Cys (NM_001374499.1); c.406A>T, p.Ser136Cys (NM_001374500.1); and 1 more; short protein forms S136C, S143C, S146C, S174C, S259C, S308C, S265C, S280C.
Identifiers: ClinVar variation 2008766 (VCV002008766.4), dbSNP rs2531704851, ClinGen allele CA360867380.

ClinVar aggregate classification (germline): Uncertain significance (1 of 4 stars; one submission).

Conditions:
Bifunctional peroxisomal enzyme deficiency (DBIF). Also called: DBP DEFICIENCY; PBFE DEFICIENCY; D-bifunctional protein deficiency. Identifiers: Orphanet 300, MedGen C0342870, MONDO:0009855, OMIM 261515. Disease mechanism: loss of function.
Perrault syndrome. Also called: Gonadal dysgenesis with auditory dysfunction, autosomal recessive inheritance. Identifiers: Orphanet 2855, MedGen C0685838, MONDO:0017312.

Submission:

Labcorp Genetics (formerly Invitae), Labcorp
Classification: Uncertain significance for Perrault syndrome; Bifunctional peroxisomal enzyme deficiency. Last evaluated: 2025-10-01. Review status: criteria provided, single submitter. Criteria: Invitae Variant Classification Sherloc (09022015). Collection method: clinical testing. Allele origin: germline.
Comment: This sequence change replaces serine, which is neutral and polar, with cysteine, which is neutral and slightly polar, at codon 283 of the HSD17B4 protein (p.Ser283Cys). This variant is not present in population databases (gnomAD no frequency). This variant has not been reported in the literature in individuals affected with HSD17B4-related conditions. ClinVar contains an entry for this variant (Variation ID: 2008766). Invitae Evidence Modeling of protein sequence and biophysical properties (such as structural, functional, and spatial information, amino acid conservation, physicochemical variation, residue mobility, and thermodynamic stability) has been performed for this missense variant. However, the output from this modeling did not meet the statistical confidence thresholds required to predict the impact of this variant on HSD17B4 protein function. In summary, the available evidence is currently insufficient to determine the role of this variant in disease. Therefore, it has been classified as a Variant of Uncertain Significance.